The following is an entry in ClinVar:

NM_005883.3(APC2):c.1784C>T (p.Ala595Val)

Gene: APC2 (APC regulator of Wnt signaling pathway 2; plus strand). Cytogenetic location: 19p13.3.
Variant type: single nucleotide variant.
Coding change: c.1784C>T on transcript NM_005883.3 (MANE Select); coding-DNA position 1784, C replaced by T.
Protein change: p.Ala595Val; replaces alanine 595 with valine.
Molecular consequence: missense variant.
Genome position (GRCh38, 1-based): chr19:1,462,108, C>T. VCF-style: chr19-1462108-C-T. GRCh37 (hg19) VCF-style: chr19-1462107-C-T.
Other names: c.1781C>T, p.Ala594Val (NM_001351273.1); c.1784C>T (NM_005883.2); short protein forms A595V, A594V.
Identifiers: ClinVar variation 2067316 (VCV002067316.5), dbSNP rs139032121, ClinGen allele CA9045277.

ClinVar aggregate classification (germline): Uncertain significance. Review status: criteria provided, multiple submitters, no conflicts (2 of 4 stars). 2 submissions from 2 submitters: Uncertain significance (2). Last evaluated 2024-05-20.

Conditions:
Inborn genetic diseases. Identifiers: MedGen C0950123, MeSH D030342.

Allele frequency attached by ClinVar (database versions not stated): 1000 Genomes Project 30x 0.00031; ExAC 0.00003; gnomAD 0.00015; 1000 Genomes Project 0.00020; ESP Exome Variant Server 0.00008.
gnomAD v4.1: 41 of 1,612,876 alleles (0.0025%); highest among the groups gnomAD compares: African/African-American, 0.048%; 1 homozygote.

Submissions (2):

Ambry Genetics
Classification: Uncertain significance for Inborn genetic diseases. Last evaluated: 2024-05-20. Review status: criteria provided, single submitter. Criteria: Ambry Variant Classification Scheme 2023. Collection method: clinical testing. Allele origin: germline.

Labcorp Genetics (formerly Invitae), Labcorp
Classification: Uncertain significance. Last evaluated: 2022-07-13. Review status: criteria provided, single submitter. Criteria: Invitae Variant Classification Sherloc (09022015). Collection method: clinical testing. Allele origin: germline.
Comment: This sequence change replaces alanine, which is neutral and non-polar, with valine, which is neutral and non-polar, at codon 595 of the APC2 protein (p.Ala595Val). This variant is present in population databases (rs139032121, gnomAD 0.03%). This variant has not been reported in the literature in individuals affected with APC2-related conditions. Algorithms developed to predict the effect of missense changes on protein structure and function are either unavailable or do not agree on the potential impact of this missense change (SIFT: "Deleterious"; PolyPhen-2: "Probably Damaging"; Align-GVGD: "Class C0"). In summary, the available evidence is currently insufficient to determine the role of this variant in disease. Therefore, it has been classified as a Variant of Uncertain Significance.